The following is an entry in ClinVar:

NM_000587.4(C7):c.2519C>T (p.Ala840Val)

Gene: C7 (complement C7; plus strand). Cytogenetic location: 5p13.1.
Variant type: single nucleotide variant.
Coding change: c.2519C>T on transcript NM_000587.4 (MANE Select); coding-DNA position 2519, C replaced by T.
Protein change: p.Ala840Val; replaces alanine 840 with valine.
Molecular consequence: missense variant.
Genome position (GRCh38, 1-based): chr5:40,981,560, C>T. VCF-style: chr5-40981560-C-T. GRCh37 (hg19) VCF-style: chr5-40981662-C-T.
Other names: short protein forms A840V.
Identifiers: ClinVar variation 2149934 (VCV002149934.2), dbSNP rs761687811, ClinGen allele CA3250334.

ClinVar aggregate classification (germline): Uncertain significance (1 of 4 stars; one submission).

Allele frequency attached by ClinVar (database versions not stated): ExAC 0.00001; gnomAD 0.00001; gnomAD exomes 0.00001; TOPMed 0.00003.

Submission:

Labcorp Genetics (formerly Invitae), Labcorp
Classification: Uncertain significance. Last evaluated: 2022-04-17. Review status: criteria provided, single submitter. Criteria: Invitae Variant Classification Sherloc (09022015). Collection method: clinical testing. Allele origin: germline.
Comment: This sequence change replaces alanine, which is neutral and non-polar, with valine, which is neutral and non-polar, at codon 840 of the C7 protein (p.Ala840Val). This variant is present in population databases (rs761687811, gnomAD 0.003%). This variant has not been reported in the literature in individuals affected with C7-related conditions. Algorithms developed to predict the effect of missense changes on protein structure and function output the following: SIFT: "Tolerated"; PolyPhen-2: "Benign"; Align-GVGD: "Class C0". The valine amino acid residue is found in multiple mammalian species, which suggests that this missense change does not adversely affect protein function. In summary, the available evidence is currently insufficient to determine the role of this variant in disease. Therefore, it has been classified as a Variant of Uncertain Significance.